The following is an entry in ClinVar:

NM_130384.3(ATRIP):c.196C>T (p.Leu66Phe)

Genes: ATRIP (ATR interacting protein; plus strand), ATRIP-TREX1 (ATRIP-TREX1 readthrough; plus strand), LOC129936703 (ATAC-STARR-seq lymphoblastoid silent region 14331; plus strand). Cytogenetic location: 3p21.31.
Variant type: single nucleotide variant.
Coding change: c.196C>T on transcript NM_130384.3 (MANE Select); coding-DNA position 196, C replaced by T.
Protein change: p.Leu66Phe; replaces leucine 66 with phenylalanine.
Molecular consequence: missense variant. On other transcripts: non-coding transcript variant (1), intron variant (1).
Genome position (GRCh38, 1-based): chr3:48,447,041, C>T. VCF-style: chr3-48447041-C-T. GRCh37 (hg19) VCF-style: chr3-48488445-C-T.
Other names: c.196C>T, p.Leu66Phe (NM_032166.4); c.-218+242C>T (NM_001271022.2); c.196C>T (NM_130384.1); short protein forms L66F.
Identifiers: ClinVar variation 2975058 (VCV002975058.3), dbSNP rs772976477, ClinGen allele CA73967001.

ClinVar aggregate classification (germline): Uncertain significance. Review status: criteria provided, multiple submitters, no conflicts (2 of 4 stars). 2 submissions from 2 submitters: Uncertain significance (2). Last evaluated 2024-11-24.

Allele frequency attached by ClinVar (database versions not stated): gnomAD exomes 0.00003; gnomAD 0.00005; TOPMed 0.00009.

Submissions (2):

Ambry Genetics
Classification: Uncertain significance. Last evaluated: 2024-11-24. Review status: criteria provided, single submitter. Criteria: Ambry Variant Classification Scheme 2023. Collection method: clinical testing. Allele origin: germline.
Comment: The p.L66F variant (also known as c.196C>T), located in coding exon 1 of the ATRIP gene, results from a C to T substitution at nucleotide position 196. The leucine at codon 66 is replaced by phenylalanine, an amino acid with highly similar properties. This amino acid position is conserved. In addition, this alteration is predicted to be tolerated by in silico analysis. Based on the available evidence, the clinical significance of this variant remains unclear.

Labcorp Genetics (formerly Invitae), Labcorp
Classification: Uncertain significance. Last evaluated: 2024-01-05. Review status: criteria provided, single submitter. Criteria: Invitae Variant Classification Sherloc (09022015). Collection method: clinical testing. Allele origin: germline.
Comment: This sequence change replaces leucine, which is neutral and non-polar, with phenylalanine, which is neutral and non-polar, at codon 66 of the ATRIP protein (p.Leu66Phe). This variant is present in population databases (rs772976477, gnomAD 0.005%). This variant has not been reported in the literature in individuals affected with ATRIP-related conditions. An algorithm developed to predict the effect of missense changes on protein structure and function (PolyPhen-2) suggests that this variant is likely to be disruptive. In summary, the available evidence is currently insufficient to determine the role of this variant in disease. Therefore, it has been classified as a Variant of Uncertain Significance.